The following is an entry in ClinVar:

ClinVar aggregate classification (germline): Pathogenic (1 of 4 stars; one submission).

Conditions:
Kartagener syndrome (CILD1). Also called: CILIARY DYSKINESIA, PRIMARY, 1; CILIARY DYSKINESIA, PRIMARY, 1, WITH OR WITHOUT SITUS INVERSUS; IMMOTILE CILIA SYNDROME; POLYNESIAN BRONCHIECTASIS; Dextrocardia bronchiectasis and sinusitis; SIEWERT SYNDROME. Identifiers: Orphanet 244, MedGen C4551906, MONDO:0009484, OMIM 244400.

Submission:

Myriad Genetics, Inc.
Classification: Pathogenic for Kartagener syndrome. Last evaluated: 2025-05-20. Review status: criteria provided, single submitter. Criteria: Myriad Autosomal Dominant, Autosomal Recessive and X-Linked Classification Criteria (2023). Collection method: clinical testing. Allele origin: unknown.
Comment: NM_012144.2(DNAI1):c.974delT(F325Sfs*34) is expected to be pathogenic in the context of primary ciliary dyskinesia, DNAI1-related. This variant is predicted to lead to an abnormal or absent protein product due to the creation of a premature termination codon in DNAI1, a gene where loss-of-function variants are known to be pathogenic. Please note: this variant was assessed in the context of healthy population screening.

NM_012144.4(DNAI1):c.974del (p.Phe325fs)

Gene: DNAI1 (dynein axonemal intermediate chain 1; plus strand). Cytogenetic location: 9p13.3.
Variant type: Deletion.
Coding change: c.974del on transcript NM_012144.4 (MANE Select); coding-DNA position 974, one base deleted (T; older notation c.974delT).
Protein change: p.Phe325fs; shifts the reading frame from phenylalanine 325.
Molecular consequence: frameshift variant.
Genome position (GRCh38, 1-based): chr9:34,500,794, T deleted; the last of 2 consecutive T bases (chr9:34,500,793-34,500,794); deleting either gives the same sequence. VCF-style (leftmost placement, unchanged base first): chr9-34500792-GT-G. GRCh37 (hg19) VCF-style: chr9-34500790-GT-G.
Other names: c.986del, p.Phe329fs (NM_001281428.2); short protein forms F325fs, F329fs.
Identifiers: ClinVar variation 5014481 (VCV005014481.1).